The following is an entry in ClinVar:

NC_000006.11:g.(?_24533732)_(24539525_?)del

Gene: ALDH5A1 (aldehyde dehydrogenase 5 family member A1; plus strand). Cytogenetic location: 6p22.3.
Variant type: Deletion.
Identifiers: ClinVar variation 3245972 (VCV003245972.1).

ClinVar aggregate classification (germline): Likely pathogenic (1 of 4 stars; one submission).

Conditions:
Succinate-semialdehyde dehydrogenase deficiency (SSADHD). Also called: 4-HYDROXYBUTYRIC ACIDURIA; GABA METABOLIC DEFECT; SSADH DEFICIENCY; Succinic Semialdehyde Dehydrogenase Deficiency. Identifiers: Orphanet 22, MedGen C0268631, MONDO:0010083, OMIM 271980.

Submission:

Labcorp Genetics (formerly Invitae), Labcorp
Classification: Likely pathogenic for Succinate-semialdehyde dehydrogenase deficiency. Last evaluated: 2021-02-10. Review status: criteria provided, single submitter. Criteria: Invitae Variant Classification Sherloc (09022015). Collection method: clinical testing. Allele origin: unknown.
Comment: In summary, the currently available evidence indicates that the variant is pathogenic, but additional data are needed to prove that conclusively. Therefore, this variant has been classified as Likely Pathogenic. This variant disrupts the p.Gly533 amino acid residue in ALDH5A1. Other variant(s) that disrupt this residue have been determined to be pathogenic (PMID: 14635103, 27104484). This suggests that this residue is clinically significant, and that variants that disrupt this residue are likely to be disease-causing. This variant has not been reported in the literature in individuals with ALDH5A1-related conditions. This variant is a gross deletion of the genomic region encompassing exon(s) 10 of the ALDH5A1 gene. The 5' boundary is likely confined to intron 9. The 3' end of this event is unknown as it extends through the termination codon beyond the assayed region for this gene and may encompass additional genes. While this deletion is not anticipated to lead to nonsense mediated decay, it is expected to alter mRNA translation or result in a truncated protein product.

Literature cited by the submitters: PubMed 14635103; PubMed 27104484.